The following is an entry in ClinVar:

ClinVar aggregate classification (germline): Uncertain significance. Review status: criteria provided, multiple submitters, no conflicts (2 of 4 stars). 3 submissions from 3 submitters: Uncertain significance (3). Last evaluated 2026-09-06.

Conditions:
COL9A1-related disorder. Also called: COL9A1-related disorders; COL9A1-related condition.
Inborn genetic diseases. Identifiers: MedGen C0950123, MeSH D030342.

Allele frequency attached by ClinVar (database versions not stated): gnomAD below 0.00001 and 0.00002; TOPMed 0.00001; ExAC 0.00003.
gnomAD v4.1: 33 of 1,613,156 alleles (0.002%); highest among the groups gnomAD compares: South Asian, 0.024%; no homozygotes.

Submissions (3):

PreventionGenetics, part of Exact Sciences
Classification: Uncertain significance for COL9A1-related condition. Last evaluated: 2026-09-06. Review status: criteria provided, single submitter. Criteria: ACMG Guidelines, 2015. Collection method: clinical testing. Allele origin: germline.
Comment: The COL9A1 c.1456C>T variant is predicted to result in the amino acid substitution p.Arg486Trp. To our knowledge, this variant has not been reported in the literature. This variant is present in 0.0065% of alleles in individuals of South Asian descent in gnomAD. At this time, the clinical significance of this variant is uncertain due to the absence of conclusive functional and genetic evidence.

Ambry Genetics
Classification: Uncertain significance for Inborn genetic diseases. Last evaluated: 2024-06-10. Review status: criteria provided, single submitter. Criteria: Ambry Variant Classification Scheme 2023. Collection method: clinical testing. Allele origin: germline.

Labcorp Genetics (formerly Invitae), Labcorp
Classification: Uncertain significance. Last evaluated: 2023-08-27. Review status: criteria provided, single submitter. Criteria: Invitae Variant Classification Sherloc (09022015). Collection method: clinical testing. Allele origin: germline.
Comment: Advanced modeling of protein sequence and biophysical properties (such as structural, functional, and spatial information, amino acid conservation, physicochemical variation, residue mobility, and thermodynamic stability) performed at Invitae indicates that this missense variant is not expected to disrupt COL9A1 protein function. ClinVar contains an entry for this variant (Variation ID: 1015984). This variant has not been reported in the literature in individuals affected with COL9A1-related conditions. This variant is present in population databases (rs752641733, gnomAD 0.01%). This sequence change replaces arginine, which is basic and polar, with tryptophan, which is neutral and slightly polar, at codon 486 of the COL9A1 protein (p.Arg486Trp). In summary, the available evidence is currently insufficient to determine the role of this variant in disease. Therefore, it has been classified as a Variant of Uncertain Significance.

NM_001851.6(COL9A1):c.1456C>T (p.Arg486Trp)

Gene: COL9A1 (collagen type IX alpha 1 chain; minus strand). Cytogenetic location: 6q13.
Variant type: single nucleotide variant.
Coding change: c.1456C>T on transcript NM_001851.6 (MANE Select); coding-DNA position 1456, C replaced by T.
Protein change: p.Arg486Trp; replaces arginine 486 with tryptophan.
Molecular consequence: missense variant. On other transcripts: non-coding transcript variant (1).
Genome position (GRCh38, 1-based): chr6:70,256,815, G>A on the plus strand (C>T on the coding strand, the complement: COL9A1 is on the minus strand). VCF-style: chr6-70256815-G-A. GRCh37 (hg19) VCF-style: chr6-70966518-G-A.
Other names: c.727C>T, p.Arg243Trp (NM_078485.4, NM_001377289.1, NM_001377290.1); c.1456C>T (NM_001851.4); short protein forms R243W, R486W.
Identifiers: ClinVar variation 1015984 (VCV001015984.9), dbSNP rs752641733, ClinGen allele CA3882189.